The following is an entry in ClinVar:

NM_001267550.2(TTN):c.669G>A (p.Lys223=)

Gene: TTN (titin; minus strand). Cytogenetic location: 2q31.2.
Variant type: single nucleotide variant.
Coding change: c.669G>A on transcript NM_001267550.2 (MANE Select); coding-DNA position 669, G replaced by A.
Protein change: p.Lys223=; no amino-acid change (lysine 223 retained).
Molecular consequence: synonymous variant.
Genome position (GRCh38, 1-based): chr2:178,799,825, C>T on the plus strand (G>A on the coding strand, the complement: TTN is on the minus strand). VCF-style: chr2-178799825-C-T. GRCh37 (hg19) VCF-style: chr2-179664552-C-T.
Other names: c.669G>A, p.Lys223= (NM_001256850.1, NM_003319.4, NM_133378.4 and 3 more transcripts).
Identifiers: ClinVar variation 3761195 (VCV003761195.3).

ClinVar aggregate classification (germline): Conflicting classifications of pathogenicity. Review status: criteria provided, conflicting classifications (1 of 4 stars). 3 submissions from 3 submitters: Uncertain significance (2); Likely benign (1). Last evaluated 2025-07-03.

Conditions:
Cardiovascular phenotype. Identifiers: MedGen CN230736.
Dilated cardiomyopathy 1G (CMD1G). Identifiers: Orphanet 154, MedGen C1858763, MONDO:0011400, OMIM 604145.
Autosomal recessive limb-girdle muscular dystrophy type 2J (LGMDR10). Also called: Limb-girdle muscular dystrophy, type 2J; MUSCULAR DYSTROPHY, LIMB-GIRDLE, AUTOSOMAL RECESSIVE 10. Identifiers: Orphanet 140922, MedGen C1837342, MONDO:0012127, OMIM 608807.

gnomAD v4.1: 12 of 1,614,004 alleles (0.00074%); highest among the groups gnomAD compares: Non-Finnish European, 0.00093%; no homozygotes.

Submissions (3):

Ambry Genetics
Classification: Uncertain significance for Cardiovascular phenotype. Last evaluated: 2025-07-03. Review status: criteria provided, single submitter. Criteria: Ambry Variant Classification Scheme 2023. Collection method: clinical testing. Allele origin: germline.
Comment: The c.669G>A variant (also known as p.K223K), located in coding exon 4 of the TTN gene, results from a G to A substitution at nucleotide position 669. This nucleotide substitution does not change the amino acid at codon 223. However, this change occurs in the last base pair of coding exon 4, which makes it likely to have some effect on normal mRNA splicing. This nucleotide position is highly conserved in available vertebrate species. In silico splice site analysis predicts that this alteration may weaken the native splice donor site. Based on the available evidence, the clinical significance of this variant remains unclear.

Labcorp Genetics (formerly Invitae), Labcorp
Classification: Uncertain significance for Dilated cardiomyopathy 1G; Autosomal recessive limb-girdle muscular dystrophy type 2J. Last evaluated: 2025-02-02. Review status: criteria provided, single submitter. Criteria: Invitae Variant Classification Sherloc (09022015). Collection method: clinical testing. Allele origin: germline.
Comment: This sequence change affects codon 223 of the TTN mRNA. It is a 'silent' change, meaning that it does not change the encoded amino acid sequence of the TTN protein. This variant also falls at the last nucleotide of exon 5, which is part of the consensus splice site for this exon. This variant is present in population databases (rs780588584, gnomAD 0.0009%). This variant has not been reported in the literature in individuals affected with TTN-related conditions. Variants that disrupt the consensus splice site are a relatively common cause of aberrant splicing (PMID: 17576681, 9536098). Algorithms developed to predict the effect of sequence changes on RNA splicing suggest that this variant may disrupt the consensus splice site. This variant is located in the Z band of TTN (PMID: 25589632). Non-truncating variants in this region may be clinically relevant, but have not been definitively shown to cause cardiomyopathy or neuromuscular disease (PMID: 27493940, 32778822). In summary, the available evidence is currently insufficient to determine the role of this variant in disease. Therefore, it has been classified as a Variant of Uncertain Significance.

Blueprint Genetics
Classification: Likely benign. Last evaluated: 2024-03-20. Review status: criteria provided, single submitter. Criteria: ACMG Guidelines, 2015. Collection method: clinical testing. Allele origin: germline.

Literature cited by the submitters: PubMed 17576681 (cited by Labcorp Genetics (formerly Invitae), Labcorp); PubMed 9536098 (cited by Labcorp Genetics (formerly Invitae), Labcorp); PubMed 25589632 (cited by Labcorp Genetics (formerly Invitae), Labcorp); PubMed 27493940 (cited by Labcorp Genetics (formerly Invitae), Labcorp); PubMed 32778822 (cited by Labcorp Genetics (formerly Invitae), Labcorp).